The following is an entry in ClinVar:

ClinVar aggregate classification (germline): Uncertain significance (1 of 4 stars; one submission).

Conditions:
Metachromatic leukodystrophy (MLD). Also called: ARSA DEFICIENCY; SULFATIDE LIPIDOSIS; Cerebral sclerosis diffuse metachromatic form; CEREBROSIDE SULFATASE DEFICIENCY; Arylsulfatase A Deficiency; METACHROMATIC LEUKOENCEPHALOPATHY. Identifiers: Orphanet 512, MedGen C0023522, MONDO:0018868, OMIM 250100.

Allele frequency attached by ClinVar (database versions not stated): gnomAD exomes below 0.00001.

Submission:

Labcorp Genetics (formerly Invitae), Labcorp
Classification: Uncertain significance for Metachromatic leukodystrophy. Last evaluated: 2022-06-23. Review status: criteria provided, single submitter. Criteria: Invitae Variant Classification Sherloc (09022015). Collection method: clinical testing. Allele origin: germline.
Comment: This sequence change replaces isoleucine, which is neutral and non-polar, with threonine, which is neutral and polar, at codon 149 of the ARSA protein (p.Ile149Thr). This variant is present in population databases (no rsID available, gnomAD 0.003%). This variant has not been reported in the literature in individuals affected with ARSA-related conditions. Advanced modeling of protein sequence and biophysical properties (such as structural, functional, and spatial information, amino acid conservation, physicochemical variation, residue mobility, and thermodynamic stability) performed at Invitae indicates that this missense variant is expected to disrupt ARSA protein function. In summary, the available evidence is currently insufficient to determine the role of this variant in disease. Therefore, it has been classified as a Variant of Uncertain Significance.

NM_000487.6(ARSA):c.446T>C (p.Ile149Thr)

Gene: ARSA (arylsulfatase A; minus strand). Cytogenetic location: 22q13.33.
Variant type: single nucleotide variant.
Coding change: c.446T>C on transcript NM_000487.6 (MANE Select); coding-DNA position 446, T replaced by C.
Protein change: p.Ile149Thr; replaces isoleucine 149 with threonine.
Molecular consequence: missense variant.
Genome position (GRCh38, 1-based): chr22:50,627,185, A>G on the plus strand (T>C on the coding strand, the complement: ARSA is on the minus strand). VCF-style: chr22-50627185-A-G. GRCh37 (hg19) VCF-style: chr22-51065613-A-G.
Other names: c.446T>C, p.Ile149Thr (NM_001085425.3, NM_001085426.3, NM_001085427.3); c.188T>C, p.Ile63Thr (NM_001085428.3, NM_001362782.2); short protein forms I149T, I63T.
Identifiers: ClinVar variation 2192105 (VCV002192105.3), dbSNP rs1444332461, ClinGen allele CA412180088.
Genomic context (GRCh38, chr22:50,627,185, plus strand): 5'-TGGGAGGTGGGAGGGTGGCTGAGGGCCCGGGTGGTTCCTACCTGGTCGTGGGAGTACGGG[A>G]TGCCTAGAAATCGATGGAAGCCCTGATGGGGGGGCAGGAAGGCCCCCTCAGGCCCCACCC-3'
Protein context (NP_000478.3, residues 139-159): PHQGFHRFLG[Ile149Thr]PYSHDQGPCQ